The following is an entry in ClinVar:

ClinVar aggregate classification (germline): Uncertain significance (1 of 4 stars; one submission).

Conditions:
Dystonia 12 (DYT12). Also called: Rapid-Onset Dystonia-Parkinsonism (RDP); DYT-ATP1A3. Identifiers: Orphanet 71517, MedGen C1868681, MONDO:0007496, OMIM 128235.

Submission:

Labcorp Genetics (formerly Invitae), Labcorp
Classification: Uncertain significance for Dystonia 12. Last evaluated: 2024-12-26. Review status: criteria provided, single submitter. Criteria: Invitae Variant Classification Sherloc (09022015). Collection method: clinical testing. Allele origin: germline.
Comment: This sequence change replaces isoleucine, which is neutral and non-polar, with methionine, which is neutral and non-polar, at codon 99 of the ATP1A3 protein (p.Ile99Met). This variant is not present in population databases (gnomAD no frequency). This variant has not been reported in the literature in individuals affected with ATP1A3-related conditions. Invitae Evidence Modeling of protein sequence and biophysical properties (such as structural, functional, and spatial information, amino acid conservation, physicochemical variation, residue mobility, and thermodynamic stability) has been performed for this missense variant. However, the output from this modeling did not meet the statistical confidence thresholds required to predict the impact of this variant on ATP1A3 protein function. In summary, the available evidence is currently insufficient to determine the role of this variant in disease. Therefore, it has been classified as a Variant of Uncertain Significance.

NM_152296.5(ATP1A3):c.297C>G (p.Ile99Met)

Gene: ATP1A3 (ATPase Na+/K+ transporting subunit alpha 3; minus strand). Cytogenetic location: 19q13.2.
Variant type: single nucleotide variant.
Coding change: c.297C>G on transcript NM_152296.5 (MANE Select); coding-DNA position 297, C replaced by G.
Protein change: p.Ile99Met; replaces isoleucine 99 with methionine.
Molecular consequence: missense variant.
Genome position (GRCh38, 1-based): chr19:41,987,996, G>C on the plus strand (C>G on the coding strand, the complement: ATP1A3 is on the minus strand). VCF-style: chr19-41987996-G-C. GRCh37 (hg19) VCF-style: chr19-42492148-G-C.
Other names: c.330C>G, p.Ile110Met (NM_001256213.2); c.336C>G, p.Ile112Met (NM_001256214.2); short protein forms I99M, I110M, I112M.
Identifiers: ClinVar variation 3636271 (VCV003636271.2).